The following is an entry in ClinVar:

ClinVar aggregate classification (germline): Pathogenic (1 of 4 stars; one submission).

Conditions:
Familial thoracic aortic aneurysm and aortic dissection (TAAD). Also called: Thoracic aortic aneurysms and dissections. Identifiers: Orphanet 91387, MedGen C4707243, MONDO:0019625.
Marfan syndrome (MFS). Also called: Marfan syndrome, classic; Marfan syndrome type 1; Marfan's syndrome; FBN1-Related Marfan Syndrome; MARFAN SYNDROME, TYPE I. Identifiers: Orphanet 284963, Orphanet 558, MedGen C0024796, MONDO:0007947, OMIM 154700.

Submission:

Labcorp Genetics (formerly Invitae), Labcorp
Classification: Pathogenic for Marfan syndrome; Familial thoracic aortic aneurysm and aortic dissection. Last evaluated: 2019-06-07. Review status: criteria provided, single submitter. Criteria: Invitae Variant Classification Sherloc (09022015). Collection method: clinical testing. Allele origin: germline.
Comment: For these reasons, this variant has been classified as Pathogenic. Loss-of-function variants in FBN1 are known to be pathogenic (PMID: 17657824, 19293843). This variant has not been reported in the literature in individuals with FBN1-related conditions. This variant is not present in population databases (ExAC no frequency). This sequence change creates a premature translational stop signal (p.Gly260Leufs*62) in the FBN1 gene. It is expected to result in an absent or disrupted protein product.

Literature cited by the submitters: PubMed 17657824; PubMed 19293843.

NM_000138.5(FBN1):c.777_801del (p.Gly260fs)

Gene: FBN1 (fibrillin 1; minus strand). Cytogenetic location: 15q21.1.
Variant type: Deletion.
Coding change: c.777_801del on transcript NM_000138.5 (MANE Select); coding-DNA positions 777 to 801, 25 bases deleted (AGGAAATTGCATTAATACTGTTGGG).
Protein change: p.Gly260fs; shifts the reading frame from glycine 260.
Molecular consequence: frameshift variant.
Genome position (GRCh38, 1-based): chr15:48,534,141-48,534,165, CCCAACAGTATTAATGCAATTTCCT deleted on the plus strand (AGGAAATTGCATTAATACTGTTGGG on the coding strand, the reverse complement: FBN1 is on the minus strand); deleting any 25 consecutive bases within chr15:48,534,141-48,534,168 gives the same sequence; the c. name uses the placement nearest the transcript's 3' end. VCF-style (leftmost placement, unchanged base first): chr15-48534140-ACCCAACAGTATTAATGCAATTTCCT-A. GRCh37 (hg19) VCF-style: chr15-48826337-ACCCAACAGTATTAATGCAATTTCCT-A.
Other names: short protein forms G260fs.
Identifiers: ClinVar variation 946367 (VCV000946367.7), dbSNP rs2043994986, ClinGen allele CA1139663904.